The following is an entry in ClinVar:

NM_006214.4(PHYH):c.85C>T (p.Pro29Ser)

Gene: PHYH (phytanoyl-CoA 2-hydroxylase; minus strand). Cytogenetic location: 10p13.
Variant type: single nucleotide variant.
Coding change: c.85C>T on transcript NM_006214.4 (MANE Select); coding-DNA position 85, C replaced by T.
Protein change: p.Pro29Ser; replaces proline 29 with serine.
Molecular consequence: missense variant. On other transcripts: 5 prime UTR variant (1), intron variant (2).
Genome position (GRCh38, 1-based): chr10:13,298,236, G>A on the plus strand (C>T on the coding strand, the complement: PHYH is on the minus strand). VCF-style: chr10-13298236-G-A. GRCh37 (hg19) VCF-style: chr10-13340236-G-A.
Other names: PHYH, PRO29SER (rs28938169); NM_006214.3(PHYH):c.85C>T(p.Pro29Ser); c.-216C>T (NM_001323080.2); c.85C>T, p.Pro29Ser (NM_001323082.2, NM_001323083.2); c.-167+1184C>T (NM_001037537.2, NM_001323084.2); short protein forms P29S.
Identifiers: ClinVar variation 7582 (VCV000007582.30), dbSNP rs28938169, ClinGen allele CA154245.

ClinVar aggregate classification (germline): Benign. Review status: criteria provided, multiple submitters, no conflicts (2 of 4 stars). 14 submissions from 14 submitters: Benign (9). 5 of the submissions do not count toward it. Last evaluated 2026-02-04.

Conditions:
Refsum disease, classic. Also called: PHYH-Related Refsum Disease; PHYTANIC ACID OXIDASE DEFICIENCY; HEREDOPATHIA ATACTICA POLYNEURITIFORMIS; HMSN IV. Identifiers: Orphanet 773, MedGen C5780941, MONDO:1060256, OMIM 266500. Disease mechanism: loss of function.

Allele frequency attached by ClinVar (database versions not stated): 1000 Genomes Project 0.09764; ExAC 0.15038; 1000 Genomes Project 30x 0.09806; gnomAD exomes 0.14756; TOPMed 0.13727; gnomAD 0.14735 and 0.15001.

Submissions (14):

Labcorp Genetics (formerly Invitae), Labcorp
Classification: Benign. Last evaluated: 2026-02-04. Review status: criteria provided, single submitter. Criteria: Invitae Variant Classification Sherloc (09022015). Collection method: clinical testing. Allele origin: germline.

Genome-Nilou Lab
Classification: Benign for Refsum disease, classic. Last evaluated: 2021-09-05. Review status: criteria provided, single submitter. Criteria: ACMG Guidelines, 2015. Collection method: clinical testing. Allele origin: germline. Affected: no.

Mendelics
Classification: Benign for Refsum disease, classic. Last evaluated: 2019-05-28. Review status: criteria provided, single submitter. Criteria: Mendelics Assertion Criteria 2017. Collection method: clinical testing. Allele origin: unknown.

GeneDx
Classification: Benign. Last evaluated: 2018-09-26. Review status: criteria provided, single submitter. Criteria: GeneDx Variant Classification Process June 2021. Collection method: clinical testing. Allele origin: germline. Affected: yes.
Comment: This variant is associated with the following publications: (PMID: 10767344, 25525159, 20220177, 20981092, 11555634)

SIB Swiss Institute of Bioinformatics
Classification: Benign for Refsum disease, classic. Last evaluated: 2018-05-31. Review status: criteria provided, single submitter. Criteria: ACMG Guidelines, 2015. Collection method: curation. Allele origin: unknown.
Comment: This variant is interpreted as a Benign - Stand Alone, for Refsum disease, in Autosomal Recessive manner. The following ACMG Tag(s) were applied: BA1 => Allele frequency is >5% in Exome Sequencing Project, 1000 Genomes Project, or Exome Aggregation Consortium. BS1 => Allele frequency is greater than expected for disorder. BS2 => Observed in a healthy adult individual for a recessive (homozygous), dominant (heterozygous), or X-linked (hemizygous) disorder, with full penetrance expected at an early age.

Illumina Laboratory Services, Illumina
Classification: Benign for Refsum disease, classic. Last evaluated: 2018-03-06. Review status: criteria provided, single submitter. Criteria: ICSL Variant Classification Criteria 13 December 2019. Collection method: clinical testing. Allele origin: germline.
Comment: This variant was observed in the ICSL laboratory as part of a predisposition screen in an ostensibly healthy population. It had not been previously curated by ICSL or reported in the Human Gene Mutation Database (HGMD: prior to June 1st, 2018), and was therefore a candidate for classification through an automated scoring system. Utilizing variant allele frequency, disease prevalence and penetrance estimates, and inheritance mode, an automated score was calculated to assess if this variant is too frequent to cause the disease. Based on the score and internal cut-off values, a variant classified as benign is not then subjected to further curation. The score for this variant resulted in a classification of benign for this disease.

Eurofins Ntd Llc (ga)
Classification: Benign. Last evaluated: 2014-05-09. Review status: criteria provided, single submitter. Criteria: EGL Classification Definitions 2015. Collection method: clinical testing. Allele origin: germline. Observed: 1 variant allele, 1 heterozygote.

Breakthrough Genomics
Classification: Benign. Review status: criteria provided, single submitter. Criteria: ACMG Guidelines, 2015. Collection method: not provided. Allele origin: germline. Inheritance: Autosomal recessive inheritance. Affected: yes.

PreventionGenetics, part of Exact Sciences
Classification: Benign. Review status: criteria provided, single submitter. Criteria: ACMG Guidelines, 2015. Collection method: clinical testing. Allele origin: germline.

Mayo Clinic Laboratories, Mayo Clinic
Classification: Benign. Last evaluated: 2015-10-26. Review status: no assertion criteria provided. Collection method: clinical testing. Allele origin: unknown. Not counted in ClinVar's aggregate classification.

OMIM
Classification: Benign for RECLASSIFIED - PHYH POLYMORPHISM. Last evaluated: 2000-05-01. Review status: no assertion criteria provided. Collection method: literature only. Allele origin: germline. Not counted in ClinVar's aggregate classification.

Clinical Genetics, Academic Medical Center
Classification: Benign. Review status: no assertion criteria provided. Collection method: clinical testing. Allele origin: germline. Affected: yes. Study: VKGL Data-share Consensus. Not counted in ClinVar's aggregate classification.

Diagnostic Laboratory, Department of Genetics, University Medical Center Groningen
Classification: Benign for Refsum disease, classic. Review status: no assertion criteria provided. Collection method: clinical testing. Allele origin: germline. Affected: yes. Study: VKGL Data-share Consensus. Not counted in ClinVar's aggregate classification.

Genetic Services Laboratory, University of Chicago
Classification: Likely benign for AllHighlyPenetrant. Review status: no assertion criteria provided. Collection method: clinical testing. Allele origin: germline. Inheritance: Autosomal recessive inheritance. Not counted in ClinVar's aggregate classification.
Comment: Likely benign based on allele frequency in 1000 Genomes Project or ESP global frequency and its presence in a patient with a rare or unrelated disease phenotype. NOT Sanger confirmed.

Literature cited by the submitters: Exome Variant Server NHLBI GO Exome Sequencing Project (ESP), Seattle, WA. 2012. (cited by OMIM); PubMed 10767344 (cited by OMIM).